The following is an entry in ClinVar:

ClinVar aggregate classification (germline): Uncertain significance. Review status: criteria provided, multiple submitters, no conflicts (2 of 4 stars). 2 submissions from 2 submitters: Uncertain significance (2). Last evaluated 2024-12-25.

Allele frequency attached by ClinVar (database versions not stated): gnomAD exomes below 0.00001; gnomAD 0.00001; TOPMed 0.00001; ESP Exome Variant Server 0.00008.
gnomAD v4.1: 5 of 1,600,238 alleles (0.00031%); highest among the groups gnomAD compares: African/African-American, 0.0013%; no homozygotes.

Submissions (2):

Ambry Genetics
Classification: Uncertain significance. Last evaluated: 2024-12-25. Review status: criteria provided, single submitter. Criteria: Ambry Variant Classification Scheme 2023. Collection method: clinical testing. Allele origin: germline.
Comment: The p.H423R variant (also known as c.1268A>G), located in coding exon 12 of the GEN1 gene, results from an A to G substitution at nucleotide position 1268. The histidine at codon 423 is replaced by arginine, an amino acid with highly similar properties. This amino acid position is conserved. In addition, this alteration is predicted to be tolerated by in silico analysis. Based on the available evidence, the clinical significance of this variant remains unclear.

Labcorp Genetics (formerly Invitae), Labcorp
Classification: Uncertain significance. Last evaluated: 2024-04-30. Review status: criteria provided, single submitter. Criteria: Invitae Variant Classification Sherloc (09022015). Collection method: clinical testing. Allele origin: germline.
Comment: This sequence change replaces histidine, which is basic and polar, with arginine, which is basic and polar, at codon 423 of the GEN1 protein (p.His423Arg). This variant is present in population databases (rs376696814, gnomAD 0.0009%). This variant has not been reported in the literature in individuals affected with GEN1-related conditions. ClinVar contains an entry for this variant (Variation ID: 943101). An algorithm developed to predict the effect of missense changes on protein structure and function (PolyPhen-2) suggests that this variant is likely to be disruptive. In summary, the available evidence is currently insufficient to determine the role of this variant in disease. Therefore, it has been classified as a Variant of Uncertain Significance.

NM_001130009.3(GEN1):c.1268A>G (p.His423Arg)

Gene: GEN1 (GEN1 structure-specific endonuclease; plus strand). Cytogenetic location: 2p24.2.
Variant type: single nucleotide variant.
Coding change: c.1268A>G on transcript NM_001130009.3 (MANE Select); coding-DNA position 1268, A replaced by G.
Protein change: p.His423Arg; replaces histidine 423 with arginine.
Molecular consequence: missense variant.
Genome position (GRCh38, 1-based): chr2:17,779,981, A>G. VCF-style: chr2-17779981-A-G. GRCh37 (hg19) VCF-style: chr2-17961248-A-G.
Other names: c.1268A>G, p.His423Arg (NM_182625.5); c.1268A>G (NM_001130009.1); short protein forms H423R.
Identifiers: ClinVar variation 943101 (VCV000943101.10), dbSNP rs376696814, ClinGen allele CA43358592.
Genomic context (GRCh38, chr2:17,779,981, plus strand): 5'-ATTGAATTTTTTTAAATGCCTAATTAAGGACACTTTGCTGTATTTTTAATCTTTTAGAAC[A>G]TTATGCTATGGAAGATAAACAACATGGAGAATTTGCTTTATTAACAATTGAGGAAGAATC-3'
Protein context (NP_001123481.3, residues 413-433): CFEIEWEKPE[His423Arg]YAMEDKQHGE